The following is an entry in ClinVar:

ClinVar aggregate classification (germline): Uncertain significance (1 of 4 stars; one submission).

Allele frequency attached by ClinVar (database versions not stated): gnomAD exomes below 0.00001.
gnomAD v4.1: 1 of 1,609,038 alleles (0.000062%); highest among the groups gnomAD compares: Non-Finnish European, 0.000085%; no homozygotes.

Submission:

Labcorp Genetics (formerly Invitae), Labcorp
Classification: Uncertain significance. Last evaluated: 2025-08-21. Review status: criteria provided, single submitter. Criteria: Invitae Variant Classification Sherloc (09022015). Collection method: clinical testing. Allele origin: germline.
Comment: This sequence change replaces proline, which is neutral and non-polar, with serine, which is neutral and polar, at codon 1976 of the SCN3A protein (p.Pro1976Ser). This variant is not present in population databases (gnomAD no frequency). This variant has not been reported in the literature in individuals affected with SCN3A-related conditions. ClinVar contains an entry for this variant (Variation ID: 2090092). Invitae Evidence Modeling of protein sequence and biophysical properties (such as structural, functional, and spatial information, amino acid conservation, physicochemical variation, residue mobility, and thermodynamic stability) indicates that this missense variant is not expected to disrupt SCN3A protein function with a negative predictive value of 95%. In summary, the available evidence is currently insufficient to determine the role of this variant in disease. Therefore, it has been classified as a Variant of Uncertain Significance.

NM_006922.4(SCN3A):c.5926C>T (p.Pro1976Ser)

Gene: SCN3A (sodium voltage-gated channel alpha subunit 3; minus strand). Cytogenetic location: 2q24.3.
Variant type: single nucleotide variant.
Coding change: c.5926C>T on transcript NM_006922.4 (MANE Select); coding-DNA position 5926, C replaced by T.
Protein change: p.Pro1976Ser; replaces proline 1976 with serine.
Molecular consequence: missense variant.
Genome position (GRCh38, 1-based): chr2:165,090,227, G>A on the plus strand (C>T on the coding strand, the complement: SCN3A is on the minus strand). VCF-style: chr2-165090227-G-A. GRCh37 (hg19) VCF-style: chr2-165946737-G-A.
Other names: c.5779C>T, p.Pro1927Ser (NM_001081676.2, NM_001081677.2); short protein forms P1927S, P1976S.
Identifiers: ClinVar variation 2090092 (VCV002090092.4), dbSNP rs2468035453, ClinGen allele CA349009193.